The following is an entry in ClinVar:

NM_000540.3(RYR1):c.10154C>A (p.Ala3385Glu)

Gene: RYR1 (ryanodine receptor 1; plus strand). Cytogenetic location: 19q13.2.
Variant type: single nucleotide variant.
Coding change: c.10154C>A on transcript NM_000540.3 (MANE Select); coding-DNA position 10154, C replaced by A.
Protein change: p.Ala3385Glu; replaces alanine 3385 with glutamic acid.
Molecular consequence: missense variant.
Genome position (GRCh38, 1-based): chr19:38,519,349, C>A. VCF-style: chr19-38519349-C-A. GRCh37 (hg19) VCF-style: chr19-39009989-C-A.
Other names: c.10154C>A, p.Ala3385Glu (NM_001042723.2); short protein forms A3385E.
Identifiers: ClinVar variation 3378306 (VCV003378306.2).

ClinVar aggregate classification (germline): Uncertain significance (1 of 4 stars; one submission).

gnomAD v4.1: 1 of 1,612,304 alleles (0.000062%); highest among the groups gnomAD compares: Non-Finnish European, 0.000085%; no homozygotes.

Submission:

GeneDx
Classification: Uncertain significance. Last evaluated: 2025-03-30. Review status: criteria provided, single submitter. Criteria: GeneDx Variant Classification Process June 2021. Collection method: clinical testing. Allele origin: germline. Affected: yes.
Comment: Not observed at significant frequency in large population cohorts (gnomAD); In silico analysis indicates that this missense variant does not alter protein structure/function; Has not been previously published as pathogenic or benign to our knowledge